The following is an entry in ClinVar:

NM_013339.4(ALG6):c.425A>T (p.Lys142Ile)

Gene: ALG6 (ALG6 alpha-1,3-glucosyltransferase; plus strand). Cytogenetic location: 1p31.3.
Variant type: single nucleotide variant.
Coding change: c.425A>T on transcript NM_013339.4 (MANE Select); coding-DNA position 425, A replaced by T.
Protein change: p.Lys142Ile; replaces lysine 142 with isoleucine.
Molecular consequence: missense variant.
Genome position (GRCh38, 1-based): chr1:63,406,395, A>T. VCF-style: chr1-63406395-A-T. GRCh37 (hg19) VCF-style: chr1-63872066-A-T.
Other names: short protein forms K142I.
Identifiers: ClinVar variation 1475073 (VCV001475073.6), dbSNP rs2100417063, ClinGen allele CA340634638.

ClinVar aggregate classification (germline): Uncertain significance (1 of 4 stars; one submission).

Conditions:
ALG6-congenital disorder of glycosylation 1C (CDG1C). Also called: Congenital disorder of glycosylation, type Ic; CARBOHYDRATE-DEFICIENT GLYCOPROTEIN SYNDROME, TYPE I, WITH DEFICIENT GLYCOSYLATION OF DOLICHOL-LINKED OLIGOSACCHARIDE; CARBOHYDRATE-DEFICIENT GLYCOPROTEIN SYNDROME, TYPE V; Congenital disorder of glycosylation type 1C; CDG Ic. Identifiers: Orphanet 79320, MedGen C2930997, MONDO:0011291, OMIM 603147.

Submission:

Labcorp Genetics (formerly Invitae), Labcorp
Classification: Uncertain significance for ALG6-congenital disorder of glycosylation 1C. Last evaluated: 2021-11-13. Review status: criteria provided, single submitter. Criteria: Invitae Variant Classification Sherloc (09022015). Collection method: clinical testing. Allele origin: germline.
Comment: In summary, the available evidence is currently insufficient to determine the role of this variant in disease. Therefore, it has been classified as a Variant of Uncertain Significance. Algorithms developed to predict the effect of missense changes on protein structure and function are either unavailable or do not agree on the potential impact of this missense change (SIFT: "Deleterious"; PolyPhen-2: "Benign"; Align-GVGD: "Class C0"). This variant has not been reported in the literature in individuals affected with ALG6-related conditions. This variant is not present in population databases (gnomAD no frequency). This sequence change replaces lysine, which is basic and polar, with isoleucine, which is neutral and non-polar, at codon 142 of the ALG6 protein (p.Lys142Ile).